The following is an entry in ClinVar:

NM_018668.5(VPS33B):c.515G>A (p.Trp172Ter)

Gene: VPS33B (VPS33B late endosome and lysosome associated; minus strand). Cytogenetic location: 15q26.1.
Variant type: single nucleotide variant.
Coding change: c.515G>A on transcript NM_018668.5 (MANE Select); coding-DNA position 515, G replaced by A.
Protein change: p.Trp172Ter; replaces tryptophan 172 with a stop codon.
Molecular consequence: nonsense.
Genome position (GRCh38, 1-based): chr15:91,007,557, C>T on the plus strand (G>A on the coding strand, the complement: VPS33B is on the minus strand). VCF-style: chr15-91007557-C-T. GRCh37 (hg19) VCF-style: chr15-91550787-C-T.
Other names: c.434G>A, p.Trp145Ter (NM_001289148.1); c.242G>A, p.Trp81Ter (NM_001289149.1); short protein forms W145*, W172*, W81*.
Identifiers: ClinVar variation 4873770 (VCV004873770.3).

ClinVar aggregate classification (germline): Pathogenic/Likely pathogenic. Review status: criteria provided, multiple submitters, no conflicts (2 of 4 stars). 2 submissions from 2 submitters: Pathogenic (1); Likely pathogenic (1). Last evaluated 2026-03-22.

Conditions:
VPS33B-related disorder. Also called: VPS33B-related condition.

gnomAD v4.1: 5 of 1,614,062 alleles (0.00031%); highest among the groups gnomAD compares: Non-Finnish European, 0.00042%; no homozygotes.

Submissions (2):

PreventionGenetics, part of Exact Sciences
Classification: Likely pathogenic for VPS33B-related condition. Last evaluated: 2026-03-22. Review status: criteria provided, single submitter. Criteria: ACMG Guidelines, 2015. Collection method: clinical testing. Allele origin: germline.
Comment: The VPS33B c.515G>A variant is predicted to result in premature protein termination (p.Trp172*). To our knowledge, this variant has not been reported in the literature or in a large population database (gnomAD), indicating this variant is rare. Nonsense variants in VPS33B are expected to be pathogenic. This variant is interpreted as likely pathogenic.

CeGaT Center for Human Genetics Tuebingen
Classification: Pathogenic. Last evaluated: 2026-03-01. Review status: criteria provided, single submitter. Criteria: CeGaT Center For Human Genetics Tuebingen Variant Classification Criteria Version 2. Collection method: clinical testing. Allele origin: germline. Affected: yes. Observed: 1 variant allele.
Comment: VPS33B: PVS1, PM2